The following is an entry in ClinVar:

NM_152564.5(VPS13B):c.2020A>G (p.Ser674Gly)

Gene: VPS13B (vacuolar protein sorting 13 homolog B; plus strand). Cytogenetic location: 8q22.2.
Variant type: single nucleotide variant.
Coding change: c.2020A>G on transcript NM_152564.5 (MANE Select); coding-DNA position 2020, A replaced by G.
Protein change: p.Ser674Gly; replaces serine 674 with glycine.
Molecular consequence: missense variant.
Genome position (GRCh38, 1-based): chr8:99,156,555, A>G. VCF-style: chr8-99156555-A-G. GRCh37 (hg19) VCF-style: chr8-100168783-A-G.
Other names: c.2020A>G, p.Ser674Gly (NM_015243.3, NM_017890.5); short protein forms S674G.
Identifiers: ClinVar variation 1970549 (VCV001970549.6), dbSNP rs2488833737, ClinGen allele CA371864675.

ClinVar aggregate classification (germline): Uncertain significance. Review status: criteria provided, multiple submitters, no conflicts (2 of 4 stars). 2 submissions from 2 submitters: Uncertain significance (2). Last evaluated 2022-06-03.

Conditions:
Cohen syndrome (COH1). Also called: Cutis verticis gyrata, retinitis pigmentosa, and sensorineural deafness; PEPPER SYNDROME. Identifiers: Orphanet 193, MedGen C0265223, MONDO:0008999, OMIM 216550.

Allele frequency attached by ClinVar (database versions not stated): gnomAD exomes below 0.00001.
gnomAD v4.1: 2 of 1,613,944 alleles (0.00012%); highest among the groups gnomAD compares: East Asian, 0.0022%; no homozygotes.

Submissions (2):

Labcorp Genetics (formerly Invitae), Labcorp
Classification: Uncertain significance for Cohen syndrome. Last evaluated: 2022-06-03. Review status: criteria provided, single submitter. Criteria: Invitae Variant Classification Sherloc (09022015). Collection method: clinical testing. Allele origin: germline.
Comment: In summary, the available evidence is currently insufficient to determine the role of this variant in disease. Therefore, it has been classified as a Variant of Uncertain Significance. Algorithms developed to predict the effect of sequence changes on RNA splicing suggest that this variant may disrupt the consensus splice site. Algorithms developed to predict the effect of missense changes on protein structure and function are either unavailable or do not agree on the potential impact of this missense change (SIFT: "Not Available"; PolyPhen-2: "Possibly Damaging"; Align-GVGD: "Not Available"). This variant has not been reported in the literature in individuals affected with VPS13B-related conditions. This variant is not present in population databases (gnomAD no frequency). This sequence change replaces serine, which is neutral and polar, with glycine, which is neutral and non-polar, at codon 674 of the VPS13B protein (p.Ser674Gly).

Blueprint Genetics
Classification: Uncertain significance. Last evaluated: 2017-11-09. Review status: criteria provided, single submitter. Criteria: ACMG Guidelines, 2015. Collection method: clinical testing. Allele origin: germline.